The following is an entry in ClinVar:

ClinVar aggregate classification (germline): Uncertain significance (1 of 4 stars; one submission).

Conditions:
Arrhythmogenic cardiomyopathy with wooly hair and keratoderma. Also called: Carvajal syndrome; PALMOPLANTAR KERATODERMA WITH LEFT VENTRICULAR CARDIOMYOPATHY AND WOOLLY HAIR; Dilated cardiomyopathy with woolly hair and keratoderma; Arrhythmogenic cardiomyopathy with woolly hair and keratoderma. Identifiers: Orphanet 65282, MedGen C1854063, MONDO:0011581, OMIM 605676.

Submission:

All of Us Research Program, National Institutes of Health
Classification: Uncertain significance for Arrhythmogenic cardiomyopathy with wooly hair and keratoderma. Last evaluated: 2024-07-29. Review status: criteria provided, single submitter. Criteria: ACMG Guidelines, 2015. Collection method: clinical testing. Allele origin: germline. Inheritance: Autosomal dominant inheritance. Observed: 1 variant allele, 1 heterozygote.
Comment: This missense variant replaces isoleucine with valine at codon 1118 of the DSP protein. Computational prediction suggests that this variant may not impact protein structure and function (internally defined REVEL score threshold <= 0.5, PMID: 27666373). To our knowledge, functional studies have not been reported for this variant. This variant has not been reported in individuals affected with DSP-related disorders in the literature. This variant has not been identified in the general population by the Genome Aggregation Database (gnomAD). The available evidence is insufficient to determine the role of this variant in disease conclusively. Therefore, this variant is classified as a Variant of Uncertain Significance.

This study involves interpretation of variants in research participants for the purpose of population health screening. Participant phenotype was not available at the time of variant classification. Additional details can be found in publication PMID: 35346344, PMCID: PMC8962531

NM_004415.4(DSP):c.3352A>G (p.Ile1118Val)

Gene: DSP (desmoplakin; plus strand). Cytogenetic location: 6p24.3.
Variant type: single nucleotide variant.
Coding change: c.3352A>G on transcript NM_004415.4 (MANE Select); coding-DNA position 3352, A replaced by G.
Protein change: p.Ile1118Val; replaces isoleucine 1118 with valine.
Molecular consequence: missense variant.
Genome position (GRCh38, 1-based): chr6:7,579,542, A>G. VCF-style: chr6-7579542-A-G. GRCh37 (hg19) VCF-style: chr6-7579775-A-G.
Other names: c.3352A>G, p.Ile1118Val (NM_001008844.3, NM_001319034.2); short protein forms I1118V.
Identifiers: ClinVar variation 3386661 (VCV003386661.1).